The following is an entry in ClinVar:

ClinVar aggregate classification (germline): Uncertain significance (1 of 4 stars; one submission).

Conditions:
PKHD1-related disorder. Also called: PKHD1-related condition.

Submission:

PreventionGenetics, part of Exact Sciences
Classification: Uncertain significance for PKHD1-related condition. Last evaluated: 2023-02-17. Review status: criteria provided, single submitter. Criteria: ACMG Guidelines, 2015. Collection method: clinical testing. Allele origin: germline.
Comment: The PKHD1 c.11092C>A variant is predicted to result in the amino acid substitution p.Gln3698Lys. To our knowledge, this variant has not been reported in the literature or in a large population database, indicating this variant is rare. At this time, the clinical significance of this variant is uncertain due to the absence of conclusive functional and genetic evidence.

NM_138694.4(PKHD1):c.11092C>A (p.Gln3698Lys)

Gene: PKHD1 (PKHD1 ciliary IPT domain containing fibrocystin/polyductin; minus strand). Cytogenetic location: 6p12.3.
Variant type: single nucleotide variant.
Coding change: c.11092C>A on transcript NM_138694.4 (MANE Select); coding-DNA position 11092, C replaced by A.
Protein change: p.Gln3698Lys; replaces glutamine 3698 with lysine.
Molecular consequence: missense variant.
Genome position (GRCh38, 1-based): chr6:51,659,034, G>T on the plus strand (C>A on the coding strand, the complement: PKHD1 is on the minus strand). VCF-style: chr6-51659034-G-T. GRCh37 (hg19) VCF-style: chr6-51523832-G-T.
Other names: short protein forms Q3698K.
Identifiers: ClinVar variation 2630309 (VCV002630309.1), dbSNP rs2533430847, ClinGen allele CA364430097.